The following is an entry in ClinVar:

ClinVar aggregate classification (germline): Conflicting classifications of pathogenicity. Review status: criteria provided, conflicting classifications (1 of 4 stars). 7 submissions from 7 submitters: Likely pathogenic (1); Uncertain significance (3). 3 of the submissions do not count toward it. Last evaluated 2024-12-28.

Conditions:
VWF-related disorder. Also called: VWF-related disorders; VWF-related condition.
von Willebrand disease type 1 (VWD1). Also called: VON WILLEBRAND DISEASE, TYPE I; VWD, TYPE 1. Identifiers: Orphanet 166078, Orphanet 903, MedGen C1264039, MONDO:0008668, OMIM 193400. Inheritance: autosomal recessive or autosomal dominant.
Hereditary von Willebrand disease. Identifiers: Orphanet 903, MedGen C5703318, MONDO:0019565. Inheritance: Autosomal recessive or Autosomal dominant.

Allele frequency attached by ClinVar (database versions not stated): ExAC 0.00001; gnomAD exomes 0.00001 and 0.00003; TOPMed 0.00002; gnomAD 0.00004.
gnomAD v4.1: 55 of 1,614,194 alleles (0.0034%); highest among the groups gnomAD compares: Middle Eastern, 0.082%; no homozygotes.

Submissions (7):

GeneDx
Classification: Uncertain significance. Last evaluated: 2024-12-28. Review status: criteria provided, single submitter. Criteria: GeneDx Variant Classification Process June 2021. Collection method: clinical testing. Allele origin: germline. Affected: yes.
Comment: In silico analysis indicates that this missense variant does not alter protein structure/function; This variant is associated with the following publications: (PMID: 34426522, 37647632, 34272389, 31064749, 26245874, 36507135, 28971901)

Women's Health and Genetics/Laboratory Corporation of America, LabCorp
Classification: Uncertain significance. Last evaluated: 2023-03-23. Review status: criteria provided, single submitter. Criteria: LabCorp Variant Classification Summary - May 2015. Collection method: clinical testing. Allele origin: germline.
Comment: Variant summary: VWF c.7493C>A (p.Ala2498Asp) results in a non-conservative amino acid change in the encoded protein sequence. Four of five in-silico tools predict a damaging effect of the variant on protein function. The variant allele was found at a frequency of 1.2e-05 in 251332 control chromosomes. The available data on variant occurrences in the general population are insufficient to allow any conclusion about variant significance. c.7493C>A has been reported in the literature 1. among individuals undergoing multigene panel testing for von Willebrand disease, 2. with an uncertain contribution to patient phenotype in settings of broadly defined Thrombo Genomics panel in an individual with unspecified clinical characteristics where it co-occurred with other putative likely pathogenic variants in the VWF gene and 3. as part of the Saudi Human Genome Project in an unspecified clinical cohort (example, Borras_2017, Baz_2021, Downes_2019). These report(s) do not provide unequivocal conclusions about association of the variant with Von Willebrand Disease. To our knowledge, no experimental evidence demonstrating an impact on protein function has been reported. Two clinical diagnostic laboratories have submitted clinical-significance assessments for this variant to ClinVar after 2014 without evidence for independent evaluation. One laboratory classified the variant as likely pathogenic and one laboratory classified the variant as uncertain significance. Based on the evidence outlined above, the variant was classified as uncertain significance.

Laboratory of Hematology, Radboud University Medical Center
Classification: Uncertain significance for von Willebrand disease type 1. Last evaluated: 2020-12-10. Review status: criteria provided, single submitter. Criteria: ACMG Guidelines, 2015. Collection method: research. Allele origin: germline. Affected: yes. Observed: 1 variant allele. Study: WIN study.

NIHR Bioresource Rare Diseases, University of Cambridge
Classification: Likely pathogenic for von Willebrand disorder. Last evaluated: 2019-02-01. Review status: criteria provided, single submitter. Criteria: ACMG Guidelines, 2015. Collection method: research. Allele origin: unknown. Affected: yes. Observed: 1 compound heterozygote. Study: ThromboGenomics.

PreventionGenetics, part of Exact Sciences
Classification: Uncertain significance for VWF-related condition. Last evaluated: 2023-12-21. Review status: no assertion criteria provided. Collection method: clinical testing. Allele origin: germline. Not counted in ClinVar's aggregate classification.
Comment: The VWF c.7493C>A variant is predicted to result in the amino acid substitution p.Ala2498Asp. This variant has been reported in some cohort studies of bleeding disorders (Borràs et al. 2017. PubMed ID: 28971901. Table S10; Downes et al. 2019. PubMed ID: 31064749. Table S3 - SNV and INDEL list; Baz et al. 2021. PubMed ID: 34272389. Table S3). This variant is reported in 0.0056% of alleles in individuals of Latino descent in gnomAD. Although we suspect that this variant may be pathogenic, at this time, the clinical significance of this variant is uncertain due to the absence of conclusive functional and genetic evidence.

Clinical Genetics DNA and cytogenetics Diagnostics Lab, Erasmus MC, Erasmus Medical Center
Classification: Uncertain significance. Review status: no assertion criteria provided. Collection method: clinical testing. Allele origin: germline. Affected: yes. Study: VKGL Data-share Consensus. Not counted in ClinVar's aggregate classification.

Joint Genome Diagnostic Labs from Nijmegen and Maastricht, Radboudumc and MUMC+
Classification: Uncertain significance. Review status: no assertion criteria provided. Collection method: clinical testing. Allele origin: germline. Affected: yes. Study: VKGL Data-share Consensus. Not counted in ClinVar's aggregate classification.

Literature cited by the submitters: PubMed 28971901 (cited by Women's Health and Genetics/Laboratory Corporation of America, LabCorp); PubMed 31064749 (cited by Women's Health and Genetics/Laboratory Corporation of America, LabCorp and NIHR Bioresource Rare Diseases, University of Cambridge); PubMed 34272389 (cited by Women's Health and Genetics/Laboratory Corporation of America, LabCorp); PubMed 26245874 (cited by Women's Health and Genetics/Laboratory Corporation of America, LabCorp).

NM_000552.5(VWF):c.7493C>A (p.Ala2498Asp)

Gene: VWF (von Willebrand factor; minus strand). Cytogenetic location: 12p13.31.
Variant type: single nucleotide variant.
Coding change: c.7493C>A on transcript NM_000552.5 (MANE Select); coding-DNA position 7493, C replaced by A.
Protein change: p.Ala2498Asp; replaces alanine 2498 with aspartic acid.
Molecular consequence: missense variant.
Genome position (GRCh38, 1-based): chr12:5,971,654, G>T on the plus strand (C>A on the coding strand, the complement: VWF is on the minus strand). VCF-style: chr12-5971654-G-T. GRCh37 (hg19) VCF-style: chr12-6080820-G-T.
Other names: p.A2498D; c.7493C>A (NM_000552.4); short protein forms A2498D.
Identifiers: ClinVar variation 627127 (VCV000627127.9), dbSNP rs369669154, ClinGen allele CA6401654.